The following is an entry in ClinVar:

NM_001378454.1(ALMS1):c.10461C>T (p.Pro3487=)

Gene: ALMS1 (ALMS1 centrosome and basal body associated protein; plus strand). Cytogenetic location: 2p13.1.
Variant type: single nucleotide variant.
Coding change: c.10461C>T on transcript NM_001378454.1 (MANE Select); coding-DNA position 10461, C replaced by T.
Protein change: p.Pro3487=; no amino-acid change (proline 3487 retained).
Molecular consequence: synonymous variant.
Genome position (GRCh38, 1-based): chr2:73,572,338, C>T. VCF-style: chr2-73572338-C-T. GRCh37 (hg19) VCF-style: chr2-73799465-C-T.
Other names: c.10464C>T, p.Pro3488= (NM_015120.4).
Identifiers: ClinVar variation 554755 (VCV000554755.16), dbSNP rs202036843, ClinGen allele CA1715007.

ClinVar aggregate classification (germline): Likely benign. Review status: criteria provided, multiple submitters, no conflicts (2 of 4 stars). 5 submissions from 5 submitters: Likely benign (4). 1 of the submissions does not count toward it. Last evaluated 2025-10-13.

Conditions:
Cardiovascular phenotype. Identifiers: MedGen CN230736.
Alstrom syndrome (ALMS). Identifiers: Orphanet 64, MedGen C0268425, MONDO:0008763, OMIM 203800.
ALMS1-related disorder. Also called: ALMS1-related condition.

Allele frequency attached by ClinVar (database versions not stated): gnomAD exomes 0.00001 and 0.00003; gnomAD 0.00002 and 0.00003; ExAC 0.00003; TOPMed 0.00004; 1000 Genomes Project 0.00020; 1000 Genomes Project 30x 0.00031.
gnomAD v4.1: 20 of 1,607,754 alleles (0.0012%); highest among the groups gnomAD compares: African/African-American, 0.015%; no homozygotes.

Submissions (5):

PreventionGenetics, part of Exact Sciences
Classification: Likely benign for ALMS1-related condition. Last evaluated: 2025-10-13. Review status: criteria provided, single submitter. Criteria: ACMG Guidelines, 2015. Collection method: clinical testing. Allele origin: germline.
Comment: This variant is classified as likely benign based on ACMG/AMP sequence variant interpretation guidelines (Richards et al. 2015 PMID: 25741868, with internal and published modifications).

Labcorp Genetics (formerly Invitae), Labcorp
Classification: Likely benign for Alstrom syndrome. Last evaluated: 2025-09-07. Review status: criteria provided, single submitter. Criteria: Invitae Variant Classification Sherloc (09022015). Collection method: clinical testing. Allele origin: germline.

Women's Health and Genetics/Laboratory Corporation of America, LabCorp
Classification: Likely benign. Last evaluated: 2025-06-07. Review status: criteria provided, single submitter. Criteria: LabCorp Variant Classification Summary - May 2015. Collection method: clinical testing. Allele origin: germline.

Ambry Genetics
Classification: Likely benign for Cardiovascular phenotype. Last evaluated: 2020-09-06. Review status: criteria provided, single submitter. Criteria: Ambry Variant Classification Scheme 2023. Collection method: clinical testing. Allele origin: germline.

Counsyl
Classification: Uncertain significance for Alstrom syndrome. Last evaluated: 2017-11-02. Review status: no assertion criteria provided. Collection method: clinical testing. Allele origin: unknown. Not counted in ClinVar's aggregate classification.